The following is an entry in ClinVar:

NM_007294.4(BRCA1):c.276T>A (p.Ala92=)

Gene: BRCA1 (BRCA1 DNA repair associated; minus strand). Cytogenetic location: 17q21.31.
Variant type: single nucleotide variant.
Coding change: c.276T>A on transcript NM_007294.4 (MANE Select); coding-DNA position 276, T replaced by A.
Protein change: p.Ala92=; no amino-acid change (alanine 92 retained).
Molecular consequence: synonymous variant. On other transcripts: 5 prime UTR variant (7), intron variant (2).
Genome position (GRCh38, 1-based): chr17:43,104,893, A>T on the plus strand (T>A on the coding strand, the complement: BRCA1 is on the minus strand). VCF-style: chr17-43104893-A-T. GRCh37 (hg19) VCF-style: chr17-41256910-A-T.
Other names: c.276T>A, p.Ala92= (NM_001408442.1, NM_001408443.1, NM_001408444.1 and 168 more transcripts); c.144T>A, p.Ala48= (NM_001408451.1); c.135T>A, p.Ala45= (NM_001408452.1, NM_001408453.1, NM_001408454.1 and 99 more transcripts); c.198T>A, p.Ala66= (NM_001408474.1, NM_001408475.1, NM_001408476.1 and 21 more transcripts); c.66T>A, p.Ala22= (NM_001408478.1, NM_001408479.1, NM_001408480.1 and 58 more transcripts); c.-106T>A (NM_001408510.1, NM_001408512.1, NM_001407959.1 and 4 more transcripts); c.-218-10033T>A (NM_001407967.1, NM_001407966.1).
Identifiers: ClinVar variation 868819 (VCV000868819.3), dbSNP rs2054677953, ClinGen allele CA500127514.

Conditions:
Breast-ovarian cancer, familial, susceptibility to, 1 (BROVCA1). Also called: BRCA1 Hereditary Breast and Ovarian Cancer; OVARIAN CANCER, SUSCEPTIBILITY TO. Identifiers: Orphanet 145, MedGen C2676676, MONDO:0011450, OMIM 604370. Disease mechanism: loss of function.

Submission:

Brotman Baty Institute, University of Washington
No classification provided (evidence only). Condition: Breast-ovarian cancer, familial 1. Review status: no classification provided. Collection method: in vitro. Allele origin: not applicable. Functional consequence: functionally_normal.
ClinVar note: "not provided" was previously submitted as the classification for the variant. However, the classification appeared to be based only on an observation of functional data so it was converted to no classification on 2025-07-30.